The following is an entry in ClinVar:

NM_001130823.3(DNMT1):c.3437C>G (p.Pro1146Arg)

Gene: DNMT1 (DNA methyltransferase 1; minus strand). Cytogenetic location: 19p13.2.
Variant type: single nucleotide variant.
Coding change: c.3437C>G on transcript NM_001130823.3 (MANE Select); coding-DNA position 3437, C replaced by G.
Protein change: p.Pro1146Arg; replaces proline 1146 with arginine.
Molecular consequence: missense variant.
Genome position (GRCh38, 1-based): chr19:10,140,867, G>C on the plus strand (C>G on the coding strand, the complement: DNMT1 is on the minus strand). VCF-style: chr19-10140867-G-C. GRCh37 (hg19) VCF-style: chr19-10251543-G-C.
Other names: c.3389C>G, p.Pro1130Arg (NM_001318730.2, NM_001379.4); c.3074C>G, p.Pro1025Arg (NM_001318731.2); short protein forms P1025R, P1146R, P1130R.
Identifiers: ClinVar variation 1435123 (VCV001435123.29), dbSNP rs1412256768, ClinGen allele CA403973498.

ClinVar aggregate classification (germline): Uncertain significance. Review status: criteria provided, multiple submitters, no conflicts (2 of 4 stars). 2 submissions from 2 submitters: Uncertain significance (2). Last evaluated 2025-12-01.

Conditions:
Hereditary sensory neuropathy-deafness-dementia syndrome. Also called: Hereditary Sensory and Autonomic Neuropathy Type 1E (HSAN1E); HSN IE; NEUROPATHY, HEREDITARY SENSORY, WITH HEARING LOSS AND DEMENTIA; Hereditary sensory neuropathy type IE. Identifiers: Orphanet 456318, MedGen C3279885, MONDO:0013584, OMIM 614116.

Allele frequency attached by ClinVar (database versions not stated): gnomAD exomes below 0.00001 and 0.00001; gnomAD 0.00001; TOPMed 0.00002.
gnomAD v4.1: 16 of 1,614,064 alleles (0.00099%); highest among the groups gnomAD compares: Middle Eastern, 0.033%; no homozygotes.

Submissions (2):

Labcorp Genetics (formerly Invitae), Labcorp
Classification: Uncertain significance for Hereditary sensory neuropathy-deafness-dementia syndrome. Last evaluated: 2025-12-01. Review status: criteria provided, single submitter. Criteria: Invitae Variant Classification Sherloc (09022015). Collection method: clinical testing. Allele origin: germline.
Comment: This sequence change replaces proline, which is neutral and non-polar, with arginine, which is basic and polar, at codon 1146 of the DNMT1 protein (p.Pro1146Arg). This variant is present in population databases (no rsID available, gnomAD 0.0009%). This variant has not been reported in the literature in individuals affected with DNMT1-related conditions. ClinVar contains an entry for this variant (Variation ID: 1435123). Invitae Evidence Modeling of protein sequence and biophysical properties (such as structural, functional, and spatial information, amino acid conservation, physicochemical variation, residue mobility, and thermodynamic stability) indicates that this missense variant is not expected to disrupt DNMT1 protein function with a negative predictive value of 80%. In summary, the available evidence is currently insufficient to determine the role of this variant in disease. Therefore, it has been classified as a Variant of Uncertain Significance.

CeGaT Center for Human Genetics Tuebingen
Classification: Uncertain significance. Last evaluated: 2022-08-01. Review status: criteria provided, single submitter. Criteria: CeGaT Center For Human Genetics Tuebingen Variant Classification Criteria Version 2. Collection method: clinical testing. Allele origin: germline. Affected: yes. Observed: 1 variant allele.
Comment: DNMT1: PP2, BP4